The following is an entry in ClinVar:

NM_000059.4(BRCA2):c.784G>C (p.Ala262Pro)

Gene: BRCA2 (BRCA2 DNA repair associated; plus strand). Cytogenetic location: 13q13.1.
Variant type: single nucleotide variant.
Coding change: c.784G>C on transcript NM_000059.4 (MANE Select); coding-DNA position 784, G replaced by C.
Protein change: p.Ala262Pro; replaces alanine 262 with proline.
Molecular consequence: missense variant.
Genome position (GRCh38, 1-based): chr13:32,331,021, G>C. VCF-style: chr13-32331021-G-C. GRCh37 (hg19) VCF-style: chr13-32905158-G-C.
Other names: short protein forms A262P.
Identifiers: ClinVar variation 630560 (VCV000630560.14), dbSNP rs397507393, ClinGen allele CA387760226.

ClinVar aggregate classification (germline): Conflicting classifications of pathogenicity. Review status: criteria provided, conflicting classifications (1 of 4 stars). 4 submissions from 4 submitters: Uncertain significance (3); Benign (1). Last evaluated 2024-06-04.

Conditions:
Hereditary breast ovarian cancer syndrome. Also called: Hereditary breast and ovarian cancer; Hereditary breast and ovarian cancer syndrome (HBOC); Breast and ovarian cancer; Hereditary breast and ovarian cancer syndrome; BRCA1- and BRCA2-Associated Hereditary Breast and Ovarian Cancer; Hereditary breast and/or ovarian cancer syndrome. Identifiers: Orphanet 145, MedGen C0677776, MeSH D061325, MONDO:0003582. Disease mechanism: loss of function.
Hereditary cancer-predisposing syndrome. Also called: Tumor predisposition; Neoplastic Syndromes, Hereditary; Hereditary neoplastic syndrome; Hereditary Cancer Syndrome. Identifiers: Orphanet 140162, MedGen C0027672, MeSH D009386, MONDO:0015356.

Allele frequency attached by ClinVar (database versions not stated): gnomAD 0.00002.
gnomAD v4.1: 3 of 1,607,122 alleles (0.00019%); highest among the groups gnomAD compares: Non-Finnish European, 0.00026%; no homozygotes.

Submissions (4):

Ambry Genetics
Classification: Benign for Hereditary cancer-predisposing syndrome. Last evaluated: 2024-06-04. Review status: criteria provided, single submitter. Criteria: Ambry Variant Classification Scheme 2023. Collection method: clinical testing. Allele origin: germline.

Labcorp Genetics (formerly Invitae), Labcorp
Classification: Uncertain significance for Hereditary breast ovarian cancer syndrome. Last evaluated: 2024-03-12. Review status: criteria provided, single submitter. Criteria: Invitae Variant Classification Sherloc (09022015). Collection method: clinical testing. Allele origin: germline.
Comment: This sequence change replaces alanine, which is neutral and non-polar, with proline, which is neutral and non-polar, at codon 262 of the BRCA2 protein (p.Ala262Pro). This variant is present in population databases (no rsID available, gnomAD 0.03%). This variant has not been reported in the literature in individuals affected with BRCA2-related conditions. ClinVar contains an entry for this variant (Variation ID: 630560). Advanced modeling of protein sequence and biophysical properties (such as structural, functional, and spatial information, amino acid conservation, physicochemical variation, residue mobility, and thermodynamic stability) performed at Invitae indicates that this missense variant is not expected to disrupt BRCA2 protein function with a negative predictive value of 95%. In summary, the available evidence is currently insufficient to determine the role of this variant in disease. Therefore, it has been classified as a Variant of Uncertain Significance.

Sema4
Classification: Uncertain significance for Hereditary cancer-predisposing syndrome. Last evaluated: 2021-10-28. Review status: criteria provided, single submitter. Criteria: Sema4 Curation Guidelines. Collection method: curation. Allele origin: germline.
Comment: The BRCA2 c.784G>C (p.A262P) variant has not been reported in the literature to our knowledge. It was observed in 5/15338 chromosomes of the European (non-Finnish) subpopulation in the large and broad cohorts of the Genome Aggregation Database (PMID: 32461654), and has been reported in ClinVar (Variation ID 630560). Functional studies have not been performed, and in silico predictions of the variant's effect on protein function are inconclusive. The evidence is insufficient to meet ACMG/AMP criteria for classifying the variant as benign or pathogenic. Thus, the clinical significance of this variant is currently uncertain.

Color Diagnostics, LLC DBA Color Health
Classification: Uncertain significance for Hereditary cancer-predisposing syndrome. Last evaluated: 2019-01-05. Review status: criteria provided, single submitter. Criteria: ACMG Guidelines, 2015. Collection method: clinical testing. Allele origin: germline.